The following is an entry in ClinVar:

NM_000138.5(FBN1):c.4409G>A (p.Cys1470Tyr)

Gene: FBN1 (fibrillin 1; minus strand). Cytogenetic location: 15q21.1.
Variant type: single nucleotide variant.
Coding change: c.4409G>A on transcript NM_000138.5 (MANE Select); coding-DNA position 4409, G replaced by A.
Protein change: p.Cys1470Tyr; replaces cysteine 1470 with tyrosine.
Molecular consequence: missense variant.
Genome position (GRCh38, 1-based): chr15:48,470,684, C>T on the plus strand (G>A on the coding strand, the complement: FBN1 is on the minus strand). VCF-style: chr15-48470684-C-T. GRCh37 (hg19) VCF-style: chr15-48762881-C-T.
Other names: NM_000138.5(FBN1):c.4409G>A; p.Cys1470Tyr; short protein forms C1470Y.
Identifiers: ClinVar variation 1325422 (VCV001325422.19), dbSNP rs2043365537, ClinGen allele CA392354488.

ClinVar aggregate classification (germline): Pathogenic. Review status: reviewed by expert panel (3 of 4 stars). 4 submissions from 4 submitters: Pathogenic (1). 3 of the submissions do not count toward it. Last evaluated 2023-12-29.

Conditions:
Familial thoracic aortic aneurysm and aortic dissection (TAAD). Also called: Thoracic aortic aneurysms and dissections. Identifiers: Orphanet 91387, MedGen C4707243, MONDO:0019625.
Marfan syndrome (MFS). Also called: Marfan syndrome type 1; Marfan's syndrome; FBN1-Related Marfan Syndrome; MARFAN SYNDROME, TYPE I; Marfan syndrome, classic. Identifiers: Orphanet 284963, Orphanet 558, MedGen C0024796, MONDO:0007947, OMIM 154700.

Submissions (4):

ClinGen FBN1 Variant Curation Expert Panel, ClinGen
Classification: Pathogenic for Marfan syndrome. Last evaluated: 2023-12-29. Review status: reviewed by expert panel. Criteria: Assertion Criteria VCEP FBN1 Version 1. Collection method: curation. Allele origin: germline. Inheritance: Autosomal dominant inheritance.
Comment: NM_000138.5 c.4409G>A is a missense variant in FBN1 predicted to cause a substitution of a cysteine by tyrosine at amino acid 1470 (p.Cys1470Tyr). This variant has been identified in at least three individuals with clinical diagnoses of Marfan syndrome (PS4_moderate, PP4; PMIDs: 35058154, 11933199; Bichat, & CHEO internal data). It is absent from gnomAD (PM2_supporting; v2.1.1 & v3.1.2). This variant affects a cysteine residue in a calcium-binding EGF-like domain; cysteine residues are involved in the formation of disulfide bridges which are essential for the protein structure (PM1_strong). Computational prediction tools and conservation analysis support that this variant is likely to impact the protein (PP3; REVEL = 0.976). The constraint z-score for missense variants affecting FBN1 is 5.06 (PP2). In summary, this variant meets criteria to be classified as pathogenic for Marfan syndrome based on the ACMG/AMP criteria applied, as specified by the ClinGen FBN1 VCEP: PM1_strong, PS4_moderate, PP2, PP3, PP4, PM2_supporting.

Revvity Omics, Revvity
Classification: Uncertain significance. Last evaluated: 2023-02-02. Review status: criteria provided, single submitter. Criteria: ACMG Guidelines, 2015. Collection method: clinical testing. Allele origin: germline. Not counted in ClinVar's aggregate classification.

Centre of Medical Genetics, University of Antwerp
Classification: Pathogenic for Marfan syndrome. Last evaluated: 2021-03-01. Review status: criteria provided, single submitter. Criteria: Submitter's publication. Collection method: research. Allele origin: unknown. Affected: yes. Not counted in ClinVar's aggregate classification.
Comment: PM2, PVS2, PP4

CHEO Genetics Diagnostic Laboratory, Children's Hospital of Eastern Ontario
Classification: Likely pathogenic for Familial thoracic aortic aneurysm and aortic dissection. Last evaluated: 2020-11-18. Review status: criteria provided, single submitter. Criteria: ACMG Guidelines, 2015. Collection method: clinical testing. Allele origin: germline. Not counted in ClinVar's aggregate classification.